The following is an entry in ClinVar:

ClinVar aggregate classification (germline): Uncertain significance (1 of 4 stars; one submission).

Submission:

Women's Health and Genetics/Laboratory Corporation of America, LabCorp
Classification: Uncertain significance. Last evaluated: 2025-07-17. Review status: criteria provided, single submitter. Criteria: LabCorp Variant Classification Summary - May 2015. Collection method: clinical testing. Allele origin: germline.
Comment: Variant summary: SLC9A7 c.76_87dup12 (p.Pro26_Leu29dup) results in an in-frame duplication that is predicted to duplicate four amino acids into the encoded protein. The variant was absent in 62713 control chromosomes (gnomAD). The available data on variant occurrences in the general population are insufficient to allow any conclusion about variant significance. To our knowledge, no occurrence of c.76_87dup12 in individuals affected with Intellectual Developmental Disorder, X-Linked 108 and no experimental evidence demonstrating its impact on protein function have been reported. No submitters have cited clinical-significance assessments for this variant to ClinVar. Based on the evidence outlined above, the variant was classified as uncertain significance.

NM_001257291.2(SLC9A7):c.76_87dup (p.Leu29_Gly30insProLeuLeuLeu)

Genes: SLC9A7 (solute carrier family 9 member A7; minus strand), LOC130068197 (ATAC-STARR-seq lymphoblastoid silent region 20793; plus strand). Cytogenetic location: Xp11.3.
Variant type: Duplication.
Coding change: c.76_87dup on transcript NM_001257291.2 (MANE Select); coding-DNA positions 76 to 87, 12 bases duplicated (CCGCTGCTGCTG).
Protein change: p.Leu29_Gly30insProLeuLeuLeu.
Genome position (GRCh38, 1-based): chrX:46,758,943-46,758,954, CAGCAGCAGCGG duplicated on the plus strand (CCGCTGCTGCTG on the coding strand, the reverse complement: SLC9A7 is on the minus strand); duplicating any 12 consecutive bases within chrX:46,758,943-46,758,964 gives the same sequence; the c. name uses the placement nearest the transcript's 3' end. VCF-style (leftmost placement, unchanged base first): chrX-46758942-C-CCAGCAGCAGCGG. GRCh37 (hg19) VCF-style: chrX-46618377-C-CCAGCAGCAGCGG.
Other names: c.76_87dup, p.Leu29_Gly30insProLeuLeuLeu (NM_032591.3); c.76_87dup12 (NM_032591.3).
Identifiers: ClinVar variation 4525794 (VCV004525794.1).